The following is an entry in ClinVar:

NM_032382.5(COG8):c.*26+5G>C

Genes: COG8 (component of oligomeric golgi complex 8; minus strand), LOC130059304 (ATAC-STARR-seq lymphoblastoid silent region 7657; plus strand). Cytogenetic location: 16q22.1.
Variant type: single nucleotide variant.
Coding change: c.*26+5G>C on transcript NM_032382.5 (MANE Select); 5 bases into the intron after 26 bases downstream of the stop codon, G replaced by C.
Molecular consequence: intron variant.
Genome position (GRCh38, 1-based): chr16:69,330,808, C>G on the plus strand (G>C on the coding strand, the complement: COG8 is on the minus strand). VCF-style: chr16-69330808-C-G. GRCh37 (hg19) VCF-style: chr16-69364711-C-G.
Other names: c.1414-1629G>C (NM_001379266.1); c.1583-1629G>C (NM_001379265.1); c.1759+111G>C (NM_001379262.1); c.*23+8G>C (NM_001379264.1); c.*26+5G>C (NM_001379263.1, NM_001379261.1); c.1865+5G>C (NM_032382.5).
Identifiers: ClinVar variation 1098272 (VCV001098272.1), dbSNP rs1489510736, ClinGen allele CA623575167.

ClinVar aggregate classification (germline): Uncertain significance (1 of 4 stars; one submission).

Conditions:
COG8-congenital disorder of glycosylation. Also called: COG8-CDG; CDG IIh. Identifiers: Orphanet 95428, MedGen C1970021, MONDO:0012635, OMIM 611182.

Allele frequency attached by ClinVar (database versions not stated): gnomAD exomes 0.00001.

Submission:

Genetics and Prenatal Diagnosis Center, The First Affiliated Hospital of Zhengzhou University
Classification: Uncertain significance for COG8-congenital disorder of glycosylation. Last evaluated: 2021-05-13. Review status: criteria provided, single submitter. Criteria: ACMG Guidelines, 2015. Collection method: clinical testing. Allele origin: germline. Affected: yes.